The following is an entry in ClinVar:

NM_014476.6(PDLIM3):c.56G>C (p.Gly19Ala)

Gene: PDLIM3 (PDZ and LIM domain 3; minus strand). Cytogenetic location: 4q35.1.
Variant type: single nucleotide variant.
Coding change: c.56G>C on transcript NM_014476.6 (MANE Select); coding-DNA position 56, G replaced by C.
Protein change: p.Gly19Ala; replaces glycine 19 with alanine.
Molecular consequence: missense variant. On other transcripts: non-coding transcript variant (1).
Genome position (GRCh38, 1-based): chr4:185,535,379, C>G on the plus strand (G>C on the coding strand, the complement: PDLIM3 is on the minus strand). VCF-style: chr4-185535379-C-G. GRCh37 (hg19) VCF-style: chr4-186456533-C-G.
Other names: c.56G>C, p.Gly19Ala (NM_001114107.5, NM_001257962.2, NM_001257963.2); short protein forms G19A.
Identifiers: ClinVar variation 954064 (VCV000954064.10), dbSNP rs2095751946, ClinGen allele CA358932585.
Genomic context (GRCh38, chr4:185,535,379, plus strand): 5'-AAAGCAAGAATGCCGACACCTACCCTGGTGATGACCAAAGGCTGGTTGAAGTCTATGCCC[C>G]CTGAGAGCCTGAAGCCCCAGGGCGCAGGGCCCGGGAGGATCACCGTCTGGGGCATGCCGC-3'
Protein context (NP_055291.2, residues 9-29): GPAPWGFRLS[Gly19Ala]GIDFNQPLVI

ClinVar aggregate classification (germline): Uncertain significance (1 of 4 stars; one submission).

Conditions:
Hypertrophic cardiomyopathy. Also called: HYPERTROPHIC MYOCARDIOPATHY. Identifiers: Orphanet 217569, MedGen C0007194, MeSH D002312, MONDO:0005045, HP:0001639.
Primary dilated cardiomyopathy (DCM). Also called: Dilated Cardiomyopathy. Identifiers: Orphanet 217604, MedGen C0007193, MeSH D002311, MONDO:0005021, HP:0001644. Inheritance: Various modes of inheritance.

gnomAD v4.1: 1 of 1,608,446 alleles (0.000062%); highest among the groups gnomAD compares: Non-Finnish European, 0.000085%; no homozygotes.

Submission:

Labcorp Genetics (formerly Invitae), Labcorp
Classification: Uncertain significance for Hypertrophic cardiomyopathy; Primary dilated cardiomyopathy. Last evaluated: 2019-08-26. Review status: criteria provided, single submitter. Criteria: Invitae Variant Classification Sherloc (09022015). Collection method: clinical testing. Allele origin: germline.
Comment: This sequence change replaces glycine with alanine at codon 19 of the PDLIM3 protein (p.Gly19Ala). The glycine residue is highly conserved and there is a small physicochemical difference between glycine and alanine. This variant is not present in population databases (ExAC no frequency). This variant has not been reported in the literature in individuals with PDLIM3-related conditions. Algorithms developed to predict the effect of missense changes on protein structure and function (SIFT, PolyPhen-2, Align-GVGD) all suggest that this variant is likely to be disruptive, but these predictions have not been confirmed by published functional studies and their clinical significance is uncertain. In summary, the available evidence is currently insufficient to determine the role of this variant in disease. Therefore, it has been classified as a Variant of Uncertain Significance.